The following is an entry in ClinVar:

NM_004174.4(SLC9A3):c.312C>T (p.His104=)

Gene: SLC9A3 (solute carrier family 9 member A3). Cytogenetic location: 5p15.33.
Variant type: single nucleotide variant.
Coding change: c.312C>T on transcript NM_004174.4 (MANE Select); coding-DNA position 312, C replaced by T.
Protein change: p.His104=; no amino-acid change (histidine 104 retained).
Molecular consequence: synonymous variant.
Genome position (GRCh38, 1-based): chr5:491,971, G>A on the plus strand (C>T on the coding strand, the complement: SLC9A3 is on the minus strand). VCF-style: chr5-491971-G-A. GRCh37 (hg19) VCF-style: chr5-492086-G-A.
Other names: c.312C>T (NM_004174.3); c.312C>T, p.His104= (NM_001284351.3).
Identifiers: ClinVar variation 1118051 (VCV001118051.35), dbSNP rs142857053, ClinGen allele CA3176369.

ClinVar aggregate classification (germline): Likely benign. Review status: criteria provided, multiple submitters, no conflicts (2 of 4 stars). 5 submissions from 5 submitters: Likely benign (4). 1 of the submissions does not count toward it. Last evaluated 2026-06-01.

Conditions:
SLC9A3-related disorder. Also called: SLC9A3-related condition.

Allele frequency attached by ClinVar (database versions not stated): TOPMed 0.00014; ESP Exome Variant Server 0.00015; gnomAD exomes 0.00018 and 0.00019; gnomAD 0.00022 and 0.00024; ExAC 0.00026.
gnomAD v4.1: 291 of 1,606,978 alleles (0.018%); highest among the groups gnomAD compares: Non-Finnish European, 0.021%; no homozygotes.

Submissions (5):

CeGaT Center for Human Genetics Tuebingen
Classification: Likely benign. Last evaluated: 2026-06-01. Review status: criteria provided, single submitter. Criteria: CeGaT Center For Human Genetics Tuebingen Variant Classification Criteria Version 2. Collection method: clinical testing. Allele origin: germline. Affected: yes. Observed: 2 variant alleles.
Comment: SLC9A3: BP4, BP7

Labcorp Genetics (formerly Invitae), Labcorp
Classification: Likely benign. Last evaluated: 2025-12-22. Review status: criteria provided, single submitter. Criteria: Invitae Variant Classification Sherloc (09022015). Collection method: clinical testing. Allele origin: germline.

Laboratory of Genetics, Children's Clinical University Hospital Latvia
Classification: Likely benign. Last evaluated: 2025-02-16. Review status: criteria provided, single submitter. Criteria: ACMG Guidelines, 2015. Collection method: clinical testing. Allele origin: germline. Affected: yes.

Blueprint Genetics
Classification: Likely benign. Last evaluated: 2024-09-09. Review status: criteria provided, single submitter. Criteria: ACMG Guidelines, 2015. Collection method: clinical testing. Allele origin: germline.

PreventionGenetics, part of Exact Sciences
Classification: Likely benign for SLC9A3-related condition. Last evaluated: 2019-04-29. Review status: no assertion criteria provided. Collection method: clinical testing. Allele origin: germline. Not counted in ClinVar's aggregate classification.
Comment: This variant is classified as likely benign based on ACMG/AMP sequence variant interpretation guidelines (Richards et al. 2015 PMID: 25741868, with internal and published modifications).